The following is an entry in ClinVar:

NM_001453.3(FOXC1):c.718C>T (p.Leu240=)

Gene: FOXC1 (forkhead box C1; plus strand). Cytogenetic location: 6p25.3.
Variant type: single nucleotide variant.
Coding change: c.718C>T on transcript NM_001453.3 (MANE Select); coding-DNA position 718, C replaced by T.
Protein change: p.Leu240=; no amino-acid change (leucine 240 retained).
Molecular consequence: synonymous variant.
Genome position (GRCh38, 1-based): chr6:1,611,163, C>T. VCF-style: chr6-1611163-C-T. GRCh37 (hg19) VCF-style: chr6-1611398-C-T.
Identifiers: ClinVar variation 766946 (VCV000766946.12), dbSNP rs754033600, ClinGen allele CA3614813.

ClinVar aggregate classification (germline): Likely benign. Review status: criteria provided, multiple submitters, no conflicts (2 of 4 stars). 4 submissions from 4 submitters: Likely benign (3). 1 of the submissions does not count toward it. Last evaluated 2025-10-22.

Conditions:
FOXC1-related disorder. Also called: FOXC1-related condition.
Axenfeld-Rieger syndrome type 3 (RIEG3). Also called: AXENFELD-RIEGER ANOMALY WITH CARDIAC DEFECTS AND/OR SENSORINEURAL HEARING LOSS. Identifiers: Orphanet 782, MedGen C2678503, MONDO:0011233, OMIM 602482.

Allele frequency attached by ClinVar (database versions not stated): gnomAD exomes 0.00010; ExAC 0.00025; 1000 Genomes Project 30x 0.00047; gnomAD 0.00060 and 0.00063; TOPMed 0.00072.

Submissions (4):

Labcorp Genetics (formerly Invitae), Labcorp
Classification: Likely benign for Axenfeld-Rieger syndrome type 3. Last evaluated: 2025-10-22. Review status: criteria provided, single submitter. Criteria: Invitae Variant Classification Sherloc (09022015). Collection method: clinical testing. Allele origin: germline.

Blueprint Genetics
Classification: Likely benign. Last evaluated: 2024-07-24. Review status: criteria provided, single submitter. Criteria: ACMG Guidelines, 2015. Collection method: clinical testing. Allele origin: germline.

Breakthrough Genomics
Classification: Likely benign. Review status: criteria provided, single submitter. Criteria: ACMG Guidelines, 2015. Collection method: not provided. Allele origin: germline. Inheritance: Autosomal dominant inheritance. Affected: yes.

PreventionGenetics, part of Exact Sciences
Classification: Likely benign for FOXC1-related condition. Last evaluated: 2024-07-09. Review status: no assertion criteria provided. Collection method: clinical testing. Allele origin: germline. Not counted in ClinVar's aggregate classification.
Comment: This variant is classified as likely benign based on ACMG/AMP sequence variant interpretation guidelines (Richards et al. 2015 PMID: 25741868, with internal and published modifications).